The following is an entry in ClinVar:

ClinVar aggregate classification (germline): Uncertain significance (1 of 4 stars; one submission).

Submission:

Labcorp Genetics (formerly Invitae), Labcorp
Classification: Uncertain significance. Last evaluated: 2022-07-30. Review status: criteria provided, single submitter. Criteria: Invitae Variant Classification Sherloc (09022015). Collection method: clinical testing. Allele origin: germline.
Comment: This sequence change falls in intron 8 of the GNPTG gene. It does not directly change the encoded amino acid sequence of the GNPTG protein. This variant is not present in population databases (gnomAD no frequency). This variant has not been reported in the literature in individuals affected with GNPTG-related conditions. Algorithms developed to predict the effect of sequence changes on RNA splicing suggest that this variant may create or strengthen a splice site. In summary, the available evidence is currently insufficient to determine the role of this variant in disease. Therefore, it has been classified as a Variant of Uncertain Significance.

NM_032520.5(GNPTG):c.610-11_628dup

Gene: GNPTG (N-acetylglucosamine-1-phosphate transferase subunit gamma; plus strand). Cytogenetic location: 16p13.3.
Variant type: Duplication.
Coding change: c.610-11_628dup on transcript NM_032520.5 (MANE Select); 11 bases into the intron before coding-DNA position 610 through coding-DNA position 628, 30 bases duplicated (TCCACCTTCAGGGCCATGAGAAGTTGCTGA).
Molecular consequence: splice acceptor variant.
Genome position (GRCh38, 1-based): chr16:1,362,600-1,362,629, TCCACCTTCAGGGCCATGAGAAGTTGCTGA duplicated. VCF-style (leftmost placement, unchanged base first): chr16-1362599-C-CTCCACCTTCAGGGCCATGAGAAGTTGCTGA. GRCh37 (hg19) VCF-style: chr16-1412600-C-CTCCACCTTCAGGGCCATGAGAAGTTGCTGA.
Identifiers: ClinVar variation 2020779 (VCV002020779.1), dbSNP rs2548190587, ClinGen allele CA2580090557.